The following is an entry in ClinVar:

ClinVar aggregate classification (germline): Likely benign. Review status: criteria provided, multiple submitters, no conflicts (2 of 4 stars). 3 submissions from 3 submitters: Likely benign (3). Last evaluated 2026-09-01.

Allele frequency attached by ClinVar (database versions not stated): ESP Exome Variant Server 0.00023.
gnomAD v4.1: 32 of 1,614,250 alleles (0.002%); highest among the groups gnomAD compares: African/African-American, 0.035%; no homozygotes.

Submissions (3):

CeGaT Center for Human Genetics Tuebingen
Classification: Likely benign. Last evaluated: 2026-09-01. Review status: criteria provided, single submitter. Criteria: CeGaT Center For Human Genetics Tuebingen Variant Classification Criteria Version 2. Collection method: clinical testing. Allele origin: germline. Affected: yes. Observed: 1 variant allele.
Comment: PIGP: BP4, BP7

Labcorp Genetics (formerly Invitae), Labcorp
Classification: Likely benign. Last evaluated: 2025-07-06. Review status: criteria provided, single submitter. Criteria: Invitae Variant Classification Sherloc (09022015). Collection method: clinical testing. Allele origin: germline.

Breakthrough Genomics
Classification: Likely benign. Review status: criteria provided, single submitter. Criteria: ACMG Guidelines, 2015. Collection method: not provided. Allele origin: germline. Inheritance: Autosomal recessive inheritance. Affected: yes.

NM_153682.3(PIGP):c.-7A>T

Gene: PIGP (phosphatidylinositol glycan anchor biosynthesis class P; minus strand). Cytogenetic location: 21q22.13.
Variant type: single nucleotide variant.
Coding change: c.-7A>T on transcript NM_153682.3 (MANE Select); 7 bases upstream of the start codon, A replaced by T.
Molecular consequence: 5 prime UTR variant. On other transcripts: synonymous variant (1).
Genome position (GRCh38, 1-based): chr21:37,072,522, T>A on the plus strand (A>T on the coding strand, the complement: PIGP is on the minus strand). VCF-style: chr21-37072522-T-A. GRCh37 (hg19) VCF-style: chr21-38444822-T-A.
Other names: c.-7A>T (NM_001320480.2); c.-251A>T (NM_016430.4); c.66A>T, p.Pro22= (NM_153681.2).
Identifiers: ClinVar variation 1596481 (VCV001596481.9), dbSNP rs375239991, ClinGen allele CA10021184.
Genomic context (GRCh38, chr21:37,072,522, plus strand): 5'-AACAAAGCCATAAATCGCTCTTTCTGGCAATGGCGACGGTGAATTTTCCACCATTTTTCC[T>A]GGGGCTTTAGACAATCTGTGGAAAAGGAACACAATCAGCGTCAGCGATGTGCTCCGTGGC-3'